The following is an entry in ClinVar:

NM_000553.6(WRN):c.1337T>C (p.Met446Thr)

Gene: WRN (WRN RecQ like helicase; plus strand). Cytogenetic location: 8p12.
Variant type: single nucleotide variant.
Coding change: c.1337T>C on transcript NM_000553.6 (MANE Select); coding-DNA position 1337, T replaced by C.
Protein change: p.Met446Thr; replaces methionine 446 with threonine.
Molecular consequence: missense variant.
Genome position (GRCh38, 1-based): chr8:31,083,766, T>C. VCF-style: chr8-31083766-T-C. GRCh37 (hg19) VCF-style: chr8-30941282-T-C.
Other names: c.1337T>C (NM_000553.4); short protein forms M446T.
Identifiers: ClinVar variation 1473948 (VCV001473948.7), dbSNP rs2130133670, ClinGen allele CA370922860.
Genomic context (GRCh38, chr8:31,083,766, plus strand): 5'-CTCCCAATGATAATGAAAACGATACGTCCTATGTAATTGAGAGTGATGAAGATTTAGAAA[T>C]GGAGATGCTTAAGGTATGTTTACAATTATAAAAATATTACTTCAAGTTCTTTCCAAAGGA-3'
Protein context (NP_000544.2, residues 436-456): YVIESDEDLE[Met446Thr]EMLKHLSPND

ClinVar aggregate classification (germline): Uncertain significance. Review status: criteria provided, multiple submitters, no conflicts (2 of 4 stars). 2 submissions from 2 submitters: Uncertain significance (2). Last evaluated 2025-08-28.

Conditions:
Werner syndrome (WRN). Identifiers: Orphanet 902, MedGen C0043119, MONDO:0010196, OMIM 277700.
Inborn genetic diseases. Identifiers: MedGen C0950123, MeSH D030342.

Submissions (2):

Ambry Genetics
Classification: Uncertain significance for Inborn genetic diseases. Last evaluated: 2025-08-28. Review status: criteria provided, single submitter. Criteria: Ambry Variant Classification Scheme 2023. Collection method: clinical testing. Allele origin: germline.

Labcorp Genetics (formerly Invitae), Labcorp
Classification: Uncertain significance for Werner syndrome. Last evaluated: 2022-01-04. Review status: criteria provided, single submitter. Criteria: Invitae Variant Classification Sherloc (09022015). Collection method: clinical testing. Allele origin: germline.
Comment: This variant is not present in population databases (gnomAD no frequency). This sequence change replaces methionine, which is neutral and non-polar, with threonine, which is neutral and polar, at codon 446 of the WRN protein (p.Met446Thr). In summary, the available evidence is currently insufficient to determine the role of this variant in disease. Therefore, it has been classified as a Variant of Uncertain Significance. Algorithms developed to predict the effect of missense changes on protein structure and function output the following: SIFT: "Not Available"; PolyPhen-2: "Benign"; Align-GVGD: "Not Available". The threonine amino acid residue is found in multiple mammalian species, which suggests that this missense change does not adversely affect protein function. This variant has not been reported in the literature in individuals affected with WRN-related conditions.